The following is an entry in ClinVar:

ClinVar aggregate classification (germline): Conflicting classifications of pathogenicity. Review status: criteria provided, conflicting classifications (1 of 4 stars). 11 submissions from 11 submitters: Uncertain significance (1); Benign (6); Likely benign (2). 2 of the submissions do not count toward it. Last evaluated 2025-03-04.

Conditions:
Hereditary cancer-predisposing syndrome. Also called: Hereditary Cancer Syndrome; Neoplastic Syndromes, Hereditary; Tumor predisposition; Hereditary neoplastic syndrome. Identifiers: Orphanet 140162, MedGen C0027672, MeSH D009386, MONDO:0015356.
Hereditary leiomyomatosis and renal cell cancer. Also called: MULTIPLE CUTANEOUS AND UTERINE LEIOMYOMATA 1, WITH OR WITHOUT RENAL CELL CARCINOMA; Reed syndrome; Multiple cutaneous and uterine leiomyomatosis; Cutaneous leiomyomata with uterine leiomyomata; Leiomyoma, hereditary multiple, of skin; Multiple cutaneous and uterine leiomyomata. Identifiers: Orphanet 523, MedGen C1708350, MONDO:0007888, OMIM 150800, HP:0007437. Disease mechanism: loss of function.
Fumarase deficiency (FMRD). Also called: Fumarate Hydratase Deficiency; Fumaric aciduria. Identifiers: Orphanet 24, MedGen C0342770, MONDO:0011730, OMIM 606812.

Submissions (11):

Center for Genomic Medicine, Rigshospitalet, Copenhagen University Hospital
Classification: Benign. Last evaluated: 2025-03-04. Review status: criteria provided, single submitter. Criteria: ACMG Guidelines, 2015. Collection method: clinical testing. Allele origin: germline.

Blueprint Genetics
Classification: Likely benign. Last evaluated: 2024-11-26. Review status: criteria provided, single submitter. Criteria: ACMG Guidelines, 2015. Collection method: clinical testing. Allele origin: germline.

Department of Pathology and Laboratory Medicine, Sinai Health System
Classification: Benign for hereditary leiomyomatosis and renal cell cancer. Last evaluated: 2021-08-03. Review status: criteria provided, single submitter. Criteria: ACMG Guidelines, 2015. Collection method: clinical testing. Allele origin: germline. Affected: yes.

Sema4
Classification: Benign for Hereditary cancer-predisposing syndrome. Last evaluated: 2021-06-07. Review status: criteria provided, single submitter. Criteria: Sema4 Curation Guidelines. Collection method: curation. Allele origin: germline.

Hereditary Cancer Laboratory, Hospital Universitario 12 de Octubre
Classification: Benign for Hereditary cancer-predisposing syndrome. Last evaluated: 2019-12-15. Review status: criteria provided, single submitter. Criteria: ACMG Guidelines, 2015. Collection method: clinical testing. Allele origin: germline.
Comment: BA1

GeneDx
Classification: Benign. Last evaluated: 2019-08-09. Review status: criteria provided, single submitter. Criteria: GeneDx Variant Classification Process June 2021. Collection method: clinical testing. Allele origin: germline. Affected: yes.

Mendelics
Classification: Benign for Fumarase deficiency. Last evaluated: 2019-05-28. Review status: criteria provided, single submitter. Criteria: Mendelics Assertion Criteria 2017. Collection method: clinical testing. Allele origin: unknown.

Laboratory for Molecular Medicine, Mass General Brigham Personalized Medicine
Classification: Uncertain significance. Last evaluated: 2016-03-28. Review status: criteria provided, single submitter. Criteria: LMM Criteria. Collection method: clinical testing. Allele origin: germline.
Comment: Variant identified in a genome or exome case(s) and assessed due to predicted null impact of the variant or pathogenic assertions in the literature or databases. Disclaimer: This variant has not undergone full assessment. The following are preliminary notes: See variant below

Ambry Genetics
Classification: Likely benign for Hereditary cancer-predisposing syndrome. Last evaluated: 2014-12-18. Review status: criteria provided, single submitter. Criteria: Ambry Variant Classification Scheme 2023. Collection method: clinical testing. Allele origin: germline.

Genome Diagnostics Laboratory, University Medical Center Utrecht
Classification: Benign. Review status: no assertion criteria provided. Collection method: clinical testing. Allele origin: germline. Affected: yes. Study: VKGL Data-share Consensus. Not counted in ClinVar's aggregate classification.

Laboratory of Diagnostic Genome Analysis, Leiden University Medical Center (LUMC)
Classification: Benign. Review status: no assertion criteria provided. Collection method: clinical testing. Allele origin: germline. Affected: yes. Study: VKGL Data-share Consensus. Not counted in ClinVar's aggregate classification.

NM_000143.4(FH):c.1237-50TC[20]

Gene: FH (fumarate hydratase; minus strand). Cytogenetic location: 1q43.
Variant type: Microsatellite.
Coding change: c.1237-50TC[20] on transcript NM_000143.4 (MANE Select); 20 copies in a row of the 2-base unit TC starting at c.1237-50; the reference has 19 copies in a row; one copy, 2 bases duplicated.
Molecular consequence: intron variant.
Genome position (GRCh38, 1-based): chr1:241,500,603-241,500,604, GA duplicated on the plus strand (TC on the coding strand, the reverse complement: FH is on the minus strand); duplicating any 2 consecutive bases within chr1:241,500,603-241,500,640 gives the same sequence; the position shown is the placement nearest the transcript's 3' end. VCF-style (leftmost placement, unchanged base first): chr1-241500602-T-TGA. GRCh37 (hg19) VCF-style: chr1-241663902-T-TGA.
Other names: c.1237-14_1237-13dupTC (NM_000143.3, NM_000143.4); c.1237-50_1237-49dupTC (NM_000143.3).
Identifiers: ClinVar variation 296865 (VCV000296865.23), dbSNP rs144131869, ClinGen allele CA10610742.